The following is an entry in ClinVar:

NM_024854.5(PYROXD1):c.68T>A (p.Val23Asp)

Genes: PYROXD1 (pyridine nucleotide-disulphide oxidoreductase domain 1; plus strand), LOC130007527 (ATAC-STARR-seq lymphoblastoid active region 6087; plus strand). Cytogenetic location: 12p12.1.
Variant type: single nucleotide variant.
Coding change: c.68T>A on transcript NM_024854.5 (MANE Select); coding-DNA position 68, T replaced by A.
Protein change: p.Val23Asp; replaces valine 23 with aspartic acid.
Molecular consequence: missense variant. On other transcripts: 5 prime UTR variant (1).
Genome position (GRCh38, 1-based): chr12:21,437,798, T>A. VCF-style: chr12-21437798-T-A. GRCh37 (hg19) VCF-style: chr12-21590732-T-A.
Other names: c.-636T>A (NM_001350913.2); short protein forms V23D.
Identifiers: ClinVar variation 1421502 (VCV001421502.6), dbSNP rs1335901770, ClinGen allele CA384298173.

ClinVar aggregate classification (germline): Uncertain significance (1 of 4 stars; one submission).

Allele frequency attached by ClinVar (database versions not stated): gnomAD exomes 0.00001.
gnomAD v4.1: 2 of 1,612,694 alleles (0.00012%); highest among the groups gnomAD compares: East Asian, 0.0045%; no homozygotes.

Submission:

Labcorp Genetics (formerly Invitae), Labcorp
Classification: Uncertain significance. Last evaluated: 2022-03-02. Review status: criteria provided, single submitter. Criteria: Invitae Variant Classification Sherloc (09022015). Collection method: clinical testing. Allele origin: germline.
Comment: In summary, the available evidence is currently insufficient to determine the role of this variant in disease. Therefore, it has been classified as a Variant of Uncertain Significance. Algorithms developed to predict the effect of missense changes on protein structure and function are either unavailable or do not agree on the potential impact of this missense change (SIFT: "Deleterious"; PolyPhen-2: "Probably Damaging"; Align-GVGD: "Class C0"). This variant has not been reported in the literature in individuals affected with PYROXD1-related conditions. This variant is present in population databases (no rsID available, gnomAD 0.01%). This sequence change replaces valine, which is neutral and non-polar, with aspartic acid, which is acidic and polar, at codon 23 of the PYROXD1 protein (p.Val23Asp).